The following is an entry in ClinVar:

NM_000142.5(FGFR3):c.857A>T (p.Gln286Leu)

Gene: FGFR3 (fibroblast growth factor receptor 3; plus strand). Cytogenetic location: 4p16.3.
Variant type: single nucleotide variant.
Coding change: c.857A>T on transcript NM_000142.5 (MANE Select); coding-DNA position 857, A replaced by T.
Protein change: p.Gln286Leu; replaces glutamine 286 with leucine.
Molecular consequence: missense variant. On other transcripts: non-coding transcript variant (1).
Genome position (GRCh38, 1-based): chr4:1,801,952, A>T. VCF-style: chr4-1801952-A-T. GRCh37 (hg19) VCF-style: chr4-1803679-A-T.
Other names: c.857A>T, p.Gln286Leu (NM_001163213.2, NM_001354809.2, NM_001354810.2 and 1 more transcripts); short protein forms Q286L.
Identifiers: ClinVar variation 1680039 (VCV001680039.8), dbSNP rs2108784483, ClinGen allele CA355976465.
Genomic context (GRCh38, chr4:1,801,952, plus strand): 5'-TGCTGGGCAGCGACGTGGAGTTCCACTGCAAGGTGTACAGTGACGCACAGCCCCACATCC[A>T]GTGGCTCAAGCACGTGGAGGTGAATGGCAGCAAGGTGGGCCCGGACGGCACACCCTACGT-3'
Protein context (NP_000133.1, residues 276-296): KVYSDAQPHI[Gln286Leu]WLKHVEVNGS

ClinVar aggregate classification (germline): Uncertain significance (1 of 4 stars; one submission).

Submission:

Labcorp Genetics (formerly Invitae), Labcorp
Classification: Uncertain significance. Last evaluated: 2020-11-10. Review status: criteria provided, single submitter. Criteria: Invitae Variant Classification Sherloc (09022015). Collection method: clinical testing. Allele origin: germline.
Comment: This sequence change replaces glutamine with leucine at codon 286 of the FGFR3 protein (p.Gln286Leu). The glutamine residue is highly conserved and there is a moderate physicochemical difference between glutamine and leucine. This variant is not present in population databases (ExAC no frequency). This variant has not been reported in the literature in individuals with FGFR3-related conditions. Algorithms developed to predict the effect of missense changes on protein structure and function are either unavailable or do not agree on the potential impact of this missense change (SIFT: "Tolerated"; PolyPhen-2: "Possibly Damaging"; Align-GVGD: "Class C0"). In summary, the available evidence is currently insufficient to determine the role of this variant in disease. Therefore, it has been classified as a Variant of Uncertain Significance.